The following is an entry in ClinVar:

NM_000057.4(BLM):c.3083A>T (p.His1028Leu)

Gene: BLM (BLM RecQ like helicase; plus strand). Cytogenetic location: 15q26.1.
Variant type: single nucleotide variant.
Coding change: c.3083A>T on transcript NM_000057.4 (MANE Select); coding-DNA position 3083, A replaced by T.
Protein change: p.His1028Leu; replaces histidine 1028 with leucine.
Molecular consequence: missense variant.
Genome position (GRCh38, 1-based): chr15:90,794,230, A>T. VCF-style: chr15-90794230-A-T. GRCh37 (hg19) VCF-style: chr15-91337460-A-T.
Other names: c.3083A>T, p.His1028Leu (NM_001287246.2, NM_001287247.2); c.1958A>T, p.His653Leu (NM_001287248.2); short protein forms H1028L, H653L.
Identifiers: ClinVar variation 2888769 (VCV002888769.3), dbSNP rs1487267563, ClinGen allele CA393846793.
Genomic context (GRCh38, chr15:90,794,230, plus strand): 5'-AAAAAGATGGAAACCATCATACAAGAGAAACTCACTTCAATAATTTGTATAGCATGGTAC[A>T]TTACTGTGAAAATATAACGGAATGCAGGAGAATACAGCTTTTGGCCTACTTTGGTGAAAA-3'
Protein context (NP_000048.1, residues 1018-1038): THFNNLYSMV[His1028Leu]YCENITECRR

ClinVar aggregate classification (germline): Uncertain significance. Review status: criteria provided, multiple submitters, no conflicts (2 of 4 stars). 2 submissions from 2 submitters: Uncertain significance (2). Last evaluated 2025-03-22.

Conditions:
Bloom syndrome (BLM). Also called: Bloom-Torre-Machacek syndrome. Identifiers: Orphanet 125, MedGen C0005859, MONDO:0008876, OMIM 210900.
Hereditary cancer-predisposing syndrome. Also called: Neoplastic Syndromes, Hereditary; Hereditary neoplastic syndrome; Tumor predisposition; Hereditary Cancer Syndrome. Identifiers: Orphanet 140162, MedGen C0027672, MeSH D009386, MONDO:0015356.

Allele frequency attached by ClinVar (database versions not stated): TOPMed below 0.00001; gnomAD 0.00001.
gnomAD v4.1: 6 of 1,606,898 alleles (0.00037%); highest among the groups gnomAD compares: South Asian, 0.0056%; no homozygotes.

Submissions (2):

Ambry Genetics
Classification: Uncertain significance for Hereditary cancer-predisposing syndrome. Last evaluated: 2025-03-22. Review status: criteria provided, single submitter. Criteria: Ambry Variant Classification Scheme 2023. Collection method: clinical testing. Allele origin: germline.
Comment: The p.H1028L variant (also known as c.3083A>T), located in coding exon 15 of the BLM gene, results from an A to T substitution at nucleotide position 3083. The histidine at codon 1028 is replaced by leucine, an amino acid with similar properties. This amino acid position is conserved. In addition, this alteration is predicted to be deleterious by in silico analysis. Based on the available evidence, the clinical significance of this variant remains unclear.

Labcorp Genetics (formerly Invitae), Labcorp
Classification: Uncertain significance for Bloom syndrome. Last evaluated: 2023-09-06. Review status: criteria provided, single submitter. Criteria: Invitae Variant Classification Sherloc (09022015). Collection method: clinical testing. Allele origin: germline.
Comment: In summary, the available evidence is currently insufficient to determine the role of this variant in disease. Therefore, it has been classified as a Variant of Uncertain Significance. Advanced modeling of protein sequence and biophysical properties (such as structural, functional, and spatial information, amino acid conservation, physicochemical variation, residue mobility, and thermodynamic stability) performed at Invitae indicates that this missense variant is expected to disrupt BLM protein function. This variant has not been reported in the literature in individuals affected with BLM-related conditions. This variant is not present in population databases (gnomAD no frequency). This sequence change replaces histidine, which is basic and polar, with leucine, which is neutral and non-polar, at codon 1028 of the BLM protein (p.His1028Leu).